The following is an entry in ClinVar:

NM_004387.4(NKX2-5):c.334+710G>A

Gene: NKX2-5 (NK2 homeobox 5; minus strand). Cytogenetic location: 5q35.1.
Variant type: single nucleotide variant.
Coding change: c.334+710G>A on transcript NM_004387.4 (MANE Select); 710 bases into the intron after coding-DNA position 334, G replaced by A.
Molecular consequence: intron variant.
Genome position (GRCh38, 1-based): chr5:173,234,040, C>T on the plus strand (G>A on the coding strand, the complement: NKX2-5 is on the minus strand). VCF-style: chr5-173234040-C-T. GRCh37 (hg19) VCF-style: chr5-172661043-C-T.
Other names: c.335-576G>A (NM_001166176.2); c.335-539G>A (NM_001166175.2).
Identifiers: ClinVar variation 4820520 (VCV004820520.1), dbSNP rs1027175969.

ClinVar aggregate classification (germline): Likely benign (1 of 4 stars; one submission).

Submission:

Molecular Diagnostic Laboratory for Inherited Cardiovascular Disease, Montreal Heart Institute
Classification: Likely benign. Last evaluated: 2026-03-27. Review status: criteria provided, single submitter. Criteria: ACMG Guidelines, 2015. Collection method: clinical testing. Allele origin: germline. Affected: no.
Comment: BS1